The following is an entry in ClinVar:

NM_007078.3(LDB3):c.615G>T (p.Glu205Asp)

Gene: LDB3 (LIM domain binding 3; plus strand). Cytogenetic location: 10q23.2.
Variant type: single nucleotide variant.
Coding change: c.615G>T on transcript NM_007078.3 (MANE Select); coding-DNA position 615, G replaced by T.
Protein change: p.Glu205Asp; replaces glutamic acid 205 with aspartic acid.
Molecular consequence: missense variant. On other transcripts: intron variant (5).
Genome position (GRCh38, 1-based): chr10:86,681,729, G>T. VCF-style: chr10-86681729-G-T. GRCh37 (hg19) VCF-style: chr10-88441486-G-T.
Other names: c.615G>T, p.Glu205Asp (NM_001080115.2, NM_001171610.2, NM_001171611.2 and 3 more transcripts); c.321+1572G>T (NM_001368068.1, NM_001368066.1, NM_001080114.2 and 2 more transcripts); short protein forms E205D.
Identifiers: ClinVar variation 3290354 (VCV003290354.1).

ClinVar aggregate classification (germline): Uncertain significance (1 of 4 stars; one submission).

Conditions:
Cardiovascular phenotype. Identifiers: MedGen CN230736.

Submission:

Ambry Genetics
Classification: Uncertain significance for Cardiovascular phenotype. Last evaluated: 2024-04-25. Review status: criteria provided, single submitter. Criteria: Ambry Variant Classification Scheme 2023. Collection method: clinical testing. Allele origin: germline.
Comment: The p.E205D variant (also known as c.615G>T), located in coding exon 4 of the LDB3 gene, results from a G to T substitution at nucleotide position 615. The glutamic acid at codon 205 is replaced by aspartic acid, an amino acid with highly similar properties. This amino acid position is conserved. In addition, this alteration is predicted to be tolerated by in silico analysis. Based on the available evidence, the clinical significance of this variant remains unclear.